The following is an entry in ClinVar:

ClinVar aggregate classification (germline): Uncertain significance (1 of 4 stars; one submission).

Conditions:
Chédiak-Higashi syndrome (CHS). Also called: Chediak-Higashi Syndrome. Identifiers: Orphanet 167, MedGen C0007965, MONDO:0008963, OMIM 214500.

Allele frequency attached by ClinVar (database versions not stated): gnomAD exomes below 0.00001.
gnomAD v4.1: 1 of 1,614,158 alleles (0.000062%); highest among the groups gnomAD compares: African/African-American, 0.0013%; no homozygotes.

Submission:

Labcorp Genetics (formerly Invitae), Labcorp
Classification: Uncertain significance for Chédiak-Higashi syndrome. Last evaluated: 2022-08-21. Review status: criteria provided, single submitter. Criteria: Invitae Variant Classification Sherloc (09022015). Collection method: clinical testing. Allele origin: germline.
Comment: This sequence change replaces isoleucine, which is neutral and non-polar, with threonine, which is neutral and polar, at codon 3404 of the LYST protein (p.Ile3404Thr). This variant is not present in population databases (gnomAD no frequency). This variant has not been reported in the literature in individuals affected with LYST-related conditions. Algorithms developed to predict the effect of missense changes on protein structure and function are either unavailable or do not agree on the potential impact of this missense change (SIFT: "Tolerated"; PolyPhen-2: "Probably Damaging"; Align-GVGD: "Class C0"). In summary, the available evidence is currently insufficient to determine the role of this variant in disease. Therefore, it has been classified as a Variant of Uncertain Significance.

NM_000081.4(LYST):c.10211T>C (p.Ile3404Thr)

Gene: LYST (lysosomal trafficking regulator; minus strand). Cytogenetic location: 1q42.3.
Variant type: single nucleotide variant.
Coding change: c.10211T>C on transcript NM_000081.4 (MANE Select); coding-DNA position 10211, T replaced by C.
Protein change: p.Ile3404Thr; replaces isoleucine 3404 with threonine.
Molecular consequence: missense variant.
Genome position (GRCh38, 1-based): chr1:235,702,910, A>G on the plus strand (T>C on the coding strand, the complement: LYST is on the minus strand). VCF-style: chr1-235702910-A-G. GRCh37 (hg19) VCF-style: chr1-235866210-A-G.
Other names: c.10211T>C, p.Ile3404Thr (NM_001301365.1); short protein forms I3404T.
Identifiers: ClinVar variation 1717385 (VCV001717385.3), dbSNP rs1466299803, ClinGen allele CA344932101.